The following is an entry in ClinVar:

ClinVar aggregate classification (germline): Pathogenic/Likely pathogenic. Review status: criteria provided, multiple submitters, no conflicts (2 of 4 stars). 4 submissions from 4 submitters: Pathogenic (2); Likely pathogenic (1). 1 of the submissions does not count toward it. Last evaluated 2024-12-27.

Conditions:
Glutaric aciduria, type 1. Also called: GA I; Glutaricaciduria, type I; Glutaric Acidemia Type 1; Glutaricacidemia Type 1; Glutaryl-CoA dehydrogenase deficiency; Glutaric acidemia type I. Identifiers: Orphanet 25, MedGen C0268595, MONDO:0009281, OMIM 231670.

Allele frequency attached by ClinVar (database versions not stated): gnomAD exomes below 0.00001.
gnomAD v4.1: 3 of 1,614,152 alleles (0.00019%); highest among the groups gnomAD compares: Middle Eastern, 0.016%; no homozygotes.

Submissions (4):

Natera, Inc.
Classification: Likely pathogenic for Glutaric acidemia type 1. Last evaluated: 2024-12-27. Review status: criteria provided, single submitter. Criteria: Natera Variant Classification Schema (03/2026). Collection method: clinical testing. Allele origin: germline.
Comment: The c.301G>A variant in GCDH is a missense variant predicted to cause substitution of glycine to arginine at amino acid 101. This variant is rare in the general population with a frequency below the threshold expected for the associated phenotype(s). This variant has been observed in one or more individuals affected with the associated recessive disease, as either homozygous or compound heterozygous with a second variant (PMID: 28062662, 23884036, 8900228). This variant has been observed to segregate in affected family members (PMID: 8900228). Functional studies show that this variant may disrupt protein function (PMID: 28062662). Computational prediction algorithms indicate this variant is likely to affect gene or protein function. Given the available evidence, this variant is classified as Likely Pathogenic.

Fulgent Genetics
Classification: Pathogenic for Glutaric aciduria, type 1. Last evaluated: 2024-03-12. Review status: criteria provided, single submitter. Criteria: ACMG Guidelines, 2015. Collection method: clinical testing. Allele origin: germline.

Labcorp Genetics (formerly Invitae), Labcorp
Classification: Pathogenic for Glutaric aciduria, type 1. Last evaluated: 2023-09-21. Review status: criteria provided, single submitter. Criteria: Invitae Variant Classification Sherloc (09022015). Collection method: clinical testing. Allele origin: germline.
Comment: For these reasons, this variant has been classified as Pathogenic. Experimental studies have shown that this missense change affects GCDH function (PMID: 28062662). Advanced modeling of protein sequence and biophysical properties (such as structural, functional, and spatial information, amino acid conservation, physicochemical variation, residue mobility, and thermodynamic stability) performed at Invitae indicates that this missense variant is expected to disrupt GCDH protein function. ClinVar contains an entry for this variant (Variation ID: 550735). This missense change has been observed in individual(s) with glutaric aciduria type I (PMID: 8900228, 23884036, 25590979). It has also been observed to segregate with disease in related individuals. This variant is present in population databases (no rsID available, gnomAD no frequency). This sequence change replaces glycine, which is neutral and non-polar, with arginine, which is basic and polar, at codon 101 of the GCDH protein (p.Gly101Arg).

Counsyl
Classification: Likely pathogenic for Glutaric aciduria, type 1. Last evaluated: 2017-02-16. Review status: no assertion criteria provided. Collection method: clinical testing. Allele origin: unknown. Not counted in ClinVar's aggregate classification.

Literature cited by the submitters: PubMed 28062662 (cited by 3 submitters); PubMed 23884036 (cited by 3 submitters); PubMed 8900228 (cited by 3 submitters); PubMed 25590979 (cited by Labcorp Genetics (formerly Invitae), Labcorp and Counsyl).

NM_000159.4(GCDH):c.301G>A (p.Gly101Arg)

Gene: GCDH (glutaryl-CoA dehydrogenase; plus strand). Cytogenetic location: 19p13.13.
Variant type: single nucleotide variant.
Coding change: c.301G>A on transcript NM_000159.4 (MANE Select); coding-DNA position 301, G replaced by A.
Protein change: p.Gly101Arg; replaces glycine 101 with arginine.
Molecular consequence: missense variant. On other transcripts: non-coding transcript variant (1).
Genome position (GRCh38, 1-based): chr19:12,892,145, G>A. VCF-style: chr19-12892145-G-A. GRCh37 (hg19) VCF-style: chr19-13002959-G-A.
Other names: c.301G>A (NM_000159.3); c.301G>A, p.Gly101Arg (NM_013976.5); short protein forms G101R.
Identifiers: ClinVar variation 550735 (VCV000550735.15), dbSNP rs1273164833, ClinGen allele CA404315959.